The following is an entry in ClinVar:

NM_015221.4(DNMBP):c.3744A>G (p.Pro1248=)

Gene: DNMBP (dynamin binding protein; minus strand). Cytogenetic location: 10q24.2.
Variant type: single nucleotide variant.
Coding change: c.3744A>G on transcript NM_015221.4 (MANE Select); coding-DNA position 3744, A replaced by G.
Protein change: p.Pro1248=; no amino-acid change (proline 1248 retained).
Molecular consequence: synonymous variant.
Genome position (GRCh38, 1-based): chr10:99,885,741, T>C on the plus strand (A>G on the coding strand, the complement: DNMBP is on the minus strand). VCF-style: chr10-99885741-T-C. GRCh37 (hg19) VCF-style: chr10-101645498-T-C.
Other names: c.3744A>G (NM_015221.3); c.2640A>G, p.Pro880= (NM_001318326.2); c.1482A>G, p.Pro494= (NM_001318327.2).
Identifiers: ClinVar variation 1255521 (VCV001255521.6), dbSNP rs2490763, ClinGen allele CA5644460.

ClinVar aggregate classification (germline): Benign. Review status: criteria provided, multiple submitters, no conflicts (2 of 4 stars). 3 submissions from 3 submitters: Benign (2). 1 of the submissions does not count toward it. Last evaluated 2021-07-30.

Conditions:
DNMBP-related disorder. Also called: DNMBP-related condition.
Cataract 48. Identifiers: MedGen C5193082, MONDO:0032735, OMIM 618415.

Allele frequency attached by ClinVar (database versions not stated): 1000 Genomes Project 0.47863; gnomAD exomes 0.48511 and 0.51123; 1000 Genomes Project 30x 0.48720; gnomAD 0.51829 and 0.52270; TOPMed 0.52936; ESP Exome Variant Server 0.54375; ExAC 0.56470.
gnomAD v4.1: 815,989 of 1,594,246 alleles (51%); highest among the groups gnomAD compares: African/African-American, 59%; 211,717 homozygotes.

Submissions (3):

Genome-Nilou Lab
Classification: Benign for Cataract 48. Last evaluated: 2021-07-30. Review status: criteria provided, single submitter. Criteria: ACMG Guidelines, 2015. Collection method: clinical testing. Allele origin: germline. Affected: no.

Breakthrough Genomics
Classification: Benign. Review status: criteria provided, single submitter. Criteria: ACMG Guidelines, 2015. Collection method: not provided. Allele origin: germline. Inheritance: Autosomal recessive inheritance. Affected: yes.

PreventionGenetics, part of Exact Sciences
Classification: Benign for DNMBP-related condition. Last evaluated: 2019-10-21. Review status: no assertion criteria provided. Collection method: clinical testing. Allele origin: germline. Not counted in ClinVar's aggregate classification.
Comment: This variant is classified as benign based on ACMG/AMP sequence variant interpretation guidelines (Richards et al. 2015 PMID: 25741868, with internal and published modifications).